The following is an entry in ClinVar:

ClinVar aggregate classification (germline): Uncertain significance (1 of 4 stars; one submission).

Submission:

Ambry Genetics
Classification: Uncertain significance. Last evaluated: 2025-03-07. Review status: criteria provided, single submitter. Criteria: Ambry Variant Classification Scheme 2023. Collection method: clinical testing. Allele origin: germline.
Comment: The p.D95N variant (also known as c.283G>A), located in coding exon 2 of the RNF43 gene, results from a G to A substitution at nucleotide position 283. The aspartic acid at codon 95 is replaced by asparagine, an amino acid with highly similar properties. This amino acid position is conserved. In addition, this alteration is predicted to be tolerated by in silico analysis. Based on the available evidence, the clinical significance of this variant remains unclear.

NM_017763.6(RNF43):c.283G>A (p.Asp95Asn)

Gene: RNF43 (ring finger protein 43; minus strand). Cytogenetic location: 17q22.
Variant type: single nucleotide variant.
Coding change: c.283G>A on transcript NM_017763.6 (MANE Select); coding-DNA position 283, G replaced by A.
Protein change: p.Asp95Asn; replaces aspartic acid 95 with asparagine.
Molecular consequence: missense variant.
Genome position (GRCh38, 1-based): chr17:58,371,003, C>T on the plus strand (G>A on the coding strand, the complement: RNF43 is on the minus strand). VCF-style: chr17-58371003-C-T. GRCh37 (hg19) VCF-style: chr17-56448364-C-T.
Other names: c.283G>A, p.Asp95Asn (NM_001305544.3); c.-99G>A (NM_001305545.2); short protein forms D95N.
Identifiers: ClinVar variation 3789968 (VCV003789968.1).
Genomic context (GRCh38, chr17:58,371,003, plus strand): 5'-CCCGTCGAGGACTCTCCAGCTTGACGATGCTGATGAATCCAGGCTCCAGATTGTCGTCAT[C>T]ACTGGCATTGCACAGGTACAGCGGGTGGGACTGCAGAGAGAGACAGACTTGGGTTAGGGA-3'
Protein context (NP_060233.3, residues 85-105): SHPLYLCNAS[Asp95Asn]DDNLEPGFIS